The following is an entry in ClinVar:

NM_025150.5(TARS2):c.634A>G (p.Asn212Asp)

Gene: TARS2 (threonyl-tRNA synthetase 2, mitochondrial; plus strand). Cytogenetic location: 1q21.2.
Variant type: single nucleotide variant.
Coding change: c.634A>G on transcript NM_025150.5 (MANE Select); coding-DNA position 634, A replaced by G.
Protein change: p.Asn212Asp; replaces asparagine 212 with aspartic acid.
Molecular consequence: missense variant. On other transcripts: non-coding transcript variant (1), intron variant (1).
Genome position (GRCh38, 1-based): chr1:150,491,601, A>G. VCF-style: chr1-150491601-A-G. GRCh37 (hg19) VCF-style: chr1-150464077-A-G.
Other names: c.634A>G, p.Asn212Asp (NM_001271895.2); c.630+90A>G (NM_001271896.2); short protein forms N212D.
Identifiers: ClinVar variation 2662025 (VCV002662025.1), dbSNP rs1164044122, ClinGen allele CA342321422.

ClinVar aggregate classification (germline): Uncertain significance (1 of 4 stars; one submission).

Allele frequency attached by ClinVar (database versions not stated): gnomAD exomes below 0.00001.

Submission:

GeneDx
Classification: Uncertain significance. Last evaluated: 2023-04-14. Review status: criteria provided, single submitter. Criteria: GeneDx Variant Classification Process June 2021. Collection method: clinical testing. Allele origin: germline. Affected: yes.
Comment: Not observed at significant frequency in large population cohorts (gnomAD); In silico analysis supports that this missense variant has a deleterious effect on protein structure/function; Has not been previously published as pathogenic or benign to our knowledge